The following is an entry in ClinVar:

NM_005912.3(MC4R):c.162G>A (p.Leu54=)

Gene: MC4R (melanocortin 4 receptor; minus strand). Cytogenetic location: 18q21.32.
Variant type: single nucleotide variant.
Coding change: c.162G>A on transcript NM_005912.3 (MANE Select); coding-DNA position 162, G replaced by A.
Protein change: p.Leu54=; no amino-acid change (leucine 54 retained).
Molecular consequence: synonymous variant.
Genome position (GRCh38, 1-based): chr18:60,372,188, C>T on the plus strand (G>A on the coding strand, the complement: MC4R is on the minus strand). VCF-style: chr18-60372188-C-T. GRCh37 (hg19) VCF-style: chr18-58039421-C-T.
Identifiers: ClinVar variation 3354105 (VCV003354105.1).

ClinVar aggregate classification (germline): Likely benign (0 of 4 stars; one submission).

Conditions:
MC4R-related disorder. Also called: MC4R-related condition.

Submission:

PreventionGenetics, part of Exact Sciences
Classification: Likely benign for MC4R-related condition. Last evaluated: 2023-09-12. Review status: no assertion criteria provided. Collection method: clinical testing. Allele origin: germline.
Comment: This variant is classified as likely benign based on ACMG/AMP sequence variant interpretation guidelines (Richards et al. 2015 PMID: 25741868, with internal and published modifications).